The following is an entry in ClinVar:

NM_021930.6(RINT1):c.2354C>T (p.Thr785Ile)

Genes: EFCAB10 (EF-hand calcium binding domain 10; minus strand), RINT1 (RAD50 interactor 1; plus strand). Cytogenetic location: 7q22.3.
Variant type: single nucleotide variant.
Coding change: c.2354C>T on transcript NM_021930.6 (MANE Select); coding-DNA position 2354, C replaced by T.
Protein change: p.Thr785Ile; replaces threonine 785 with isoleucine.
Molecular consequence: missense variant. On other transcripts: 3 prime UTR variant (2), non-coding transcript variant (1), intron variant (3).
Genome position (GRCh38, 1-based): chr7:105,567,286, C>T. VCF-style: chr7-105567286-C-T. GRCh37 (hg19) VCF-style: chr7-105207733-C-T.
Other names: c.*168G>A (NM_001355527.2, NM_001355529.2); c.2120C>T, p.Thr707Ile (NM_001346599.2); c.1331C>T, p.Thr444Ile (NM_001346600.2, NM_001346603.2); c.1430C>T, p.Thr477Ile (NM_001346601.2); c.360-1839G>A (NM_001355531.2); c.383+181G>A (NM_001355526.2, NM_001355530.2); short protein forms T444I, T785I, T477I, T707I.
Identifiers: ClinVar variation 2448426 (VCV002448426.2), dbSNP rs1201370538, ClinGen allele CA368815705.

ClinVar aggregate classification (germline): Uncertain significance (1 of 4 stars; one submission).

gnomAD v4.1: 1 of 1,605,686 alleles (0.000062%); no homozygotes.

Submission:

Ambry Genetics
Classification: Uncertain significance. Last evaluated: 2023-02-12. Review status: criteria provided, single submitter. Criteria: Ambry Variant Classification Scheme 2023. Collection method: clinical testing. Allele origin: germline.
Comment: The p.T785I variant (also known as c.2354C>T), located in coding exon 15 of the RINT1 gene, results from a C to T substitution at nucleotide position 2354. The threonine at codon 785 is replaced by isoleucine, an amino acid with similar properties. This amino acid position is conserved. In addition, this alteration is predicted to be tolerated by in silico analysis. Since supporting evidence is limited at this time, the clinical significance of this alteration remains unclear.